The following is an entry in ClinVar:

NM_001385012.1(NBEA):c.6248G>A (p.Arg2083His)

Gene: NBEA (neurobeachin; plus strand). Cytogenetic location: 13q13.3.
Variant type: single nucleotide variant.
Coding change: c.6248G>A on transcript NM_001385012.1 (MANE Select); coding-DNA position 6248, G replaced by A.
Protein change: p.Arg2083His; replaces arginine 2083 with histidine.
Molecular consequence: missense variant.
Genome position (GRCh38, 1-based): chr13:35,432,337, G>A. VCF-style: chr13-35432337-G-A. GRCh37 (hg19) VCF-style: chr13-36006474-G-A.
Other names: c.6239G>A, p.Arg2080His (NM_001379245.1); c.6248G>A, p.Arg2083His (NM_015678.5); short protein forms R2080H, R2083H.
Identifiers: ClinVar variation 2434058 (VCV002434058.30), dbSNP rs201478045, ClinGen allele CA6947279.

ClinVar aggregate classification (germline): Conflicting classifications of pathogenicity. Review status: criteria provided, conflicting classifications (1 of 4 stars). 5 submissions from 5 submitters: Uncertain significance (2); Likely benign (2). 1 of the submissions does not count toward it. Last evaluated 2024-09-30.

Conditions:
NBEA-related disorder. Also called: NBEA-related condition.
Neurodevelopmental disorder with or without early-onset generalized epilepsy. Identifiers: MedGen C5436914, MONDO:0030930, OMIM 619157.
Inborn genetic diseases. Identifiers: MedGen C0950123, MeSH D030342.

Allele frequency attached by ClinVar (database versions not stated): gnomAD 0.00007; ExAC 0.00009; TOPMed 0.00010; ESP Exome Variant Server 0.00017.
gnomAD v4.1: 68 of 1,608,770 alleles (0.0042%); highest among the groups gnomAD compares: Middle Eastern, 0.033%; no homozygotes.

Submissions (5):

Women's Health and Genetics/Laboratory Corporation of America, LabCorp
Classification: Uncertain significance. Last evaluated: 2024-09-30. Review status: criteria provided, single submitter. Criteria: LabCorp Variant Classification Summary - May 2015. Collection method: clinical testing. Allele origin: germline.
Comment: Variant summary: NBEA c.6248G>A (p.Arg2083His) results in a non-conservative amino acid change located in the Neurobeachin-like, DUF1088 (IPR010508) of the encoded protein sequence. Three of five in-silico tools predict a damaging effect of the variant on protein function. The variant allele was found at a frequency of 4.5e-05 in 244038 control chromosomes. This frequency is not significantly higher than estimated for a pathogenic variant in NBEA causing Neurodevelopmental Disorder With Or Without Early-Onset Generalized Epilepsy, allowing no conclusion about variant significance. To our knowledge, no occurrence of c.6248G>A in individuals affected with Neurodevelopmental Disorder With Or Without Early-Onset Generalized Epilepsy and no experimental evidence demonstrating its impact on protein function have been reported. ClinVar contains an entry for this variant (Variation ID: 2434058). Based on the evidence outlined above, the variant was classified as uncertain significance.

Revvity Omics, Revvity
Classification: Uncertain significance for Neurodevelopmental disorder with or without early-onset generalized epilepsy. Last evaluated: 2023-11-08. Review status: criteria provided, single submitter. Criteria: ACMG Guidelines, 2015. Collection method: clinical testing. Allele origin: germline.

Ambry Genetics
Classification: Likely benign for Inborn genetic diseases. Last evaluated: 2023-03-02. Review status: criteria provided, single submitter. Criteria: Ambry Variant Classification Scheme 2023. Collection method: clinical testing. Allele origin: germline.

CeGaT Center for Human Genetics Tuebingen
Classification: Likely benign. Last evaluated: 2022-10-01. Review status: criteria provided, single submitter. Criteria: CeGaT Center For Human Genetics Tuebingen Variant Classification Criteria Version 2. Collection method: clinical testing. Allele origin: germline. Affected: yes. Observed: 1 variant allele.
Comment: NBEA: BS2

PreventionGenetics, part of Exact Sciences
Classification: Likely benign for NBEA-related condition. Last evaluated: 2024-07-11. Review status: no assertion criteria provided. Collection method: clinical testing. Allele origin: germline. Not counted in ClinVar's aggregate classification.
Comment: This variant is classified as likely benign based on ACMG/AMP sequence variant interpretation guidelines (Richards et al. 2015 PMID: 25741868, with internal and published modifications).